The following is an entry in ClinVar:

ClinVar aggregate classification (germline): Uncertain significance. Review status: criteria provided, multiple submitters, no conflicts (2 of 4 stars). 2 submissions from 2 submitters: Uncertain significance (2). Last evaluated 2024-12-09.

Conditions:
Cockayne syndrome type 2 (CSB). Also called: Cockayne Syndrome, Type II; COCKAYNE SYNDROME B. Identifiers: Orphanet 191, Orphanet 90322, MedGen C0751038, MONDO:0019570, OMIM 133540.

gnomAD v4.1: 16 of 1,614,214 alleles (0.00099%); highest among the groups gnomAD compares: Non-Finnish European, 0.0011%; no homozygotes.

Submissions (2):

Ambry Genetics
Classification: Uncertain significance. Last evaluated: 2024-12-09. Review status: criteria provided, single submitter. Criteria: Ambry Variant Classification Scheme 2023. Collection method: clinical testing. Allele origin: germline.

Victorian Clinical Genetics Services, Murdoch Childrens Research Institute
Classification: Uncertain significance for Cockayne syndrome type 2. Last evaluated: 2020-05-25. Review status: criteria provided, single submitter. Criteria: ACMG Guidelines, 2015. Collection method: clinical testing. Allele origin: germline.
Comment: A heterozygous missense variant was identified, NM_001277058.1(ERCC6):c.2758A>G in exon 6 of the ERCC6 gene. (NB: this variant is non-coding in alternative transcripts). This substitution is predicted to create a minor amino acid change from a methionine to a valine at position 920 of the protein; NP_001263987.1ERCC6):p.(Met920Val). The methionine at this position has low conservation (100 vertebrates, UCSC), and is located within the Transposase IS4 domain (NCBI). In silico software predicts this variant to be tolerated (PolyPhen2, PROVEAN, FATHMM, Mutation Assessor). The variant is present in the gnomAD population database at a frequency of 0.001% (3 heterozygotes, 0 homozygotes). This variant has not previously been reported in clinical cases. Based on information available at the time of curation, this variant has been classified as a VUS with LOW CLINICAL RELEVANCE.

NM_001277058.2(ERCC6):c.2758A>G (p.Met920Val)

Genes: ERCC6 (ERCC excision repair 6, chromatin remodeling factor; minus strand), PGBD3 (piggyBac transposable element derived 3; minus strand). Cytogenetic location: 10q11.23.
Variant type: single nucleotide variant.
Coding change: c.2758A>G on transcript NM_001277058.2 (MANE Plus Clinical); coding-DNA position 2758, A replaced by G.
Protein change: p.Met920Val; replaces methionine 920 with valine.
Molecular consequence: missense variant. On other transcripts: intron variant (2).
Genome position (GRCh38, 1-based): chr10:49,515,761, T>C on the plus strand (A>G on the coding strand, the complement: ERCC6 is on the minus strand). VCF-style: chr10-49515761-T-C. GRCh37 (hg19) VCF-style: chr10-50723807-T-C.
Other names: c.2758A>G, p.Met920Val (NM_001277059.2); c.1354A>G, p.Met452Val (NM_170753.3); c.1397+8272A>G (NM_001346440.2, NM_000124.4); c.1354A>G (NM_170753.2); short protein forms M452V, M920V.
Identifiers: ClinVar variation 3377417 (VCV003377417.2).